The following is an entry in ClinVar:

NM_031935.3(HMCN1):c.15290C>A (p.Thr5097Asn)

Gene: HMCN1 (hemicentin 1; plus strand). Cytogenetic location: 1q31.1.
Variant type: single nucleotide variant.
Coding change: c.15290C>A on transcript NM_031935.3 (MANE Select); coding-DNA position 15290, C replaced by A.
Protein change: p.Thr5097Asn; replaces threonine 5097 with asparagine.
Molecular consequence: missense variant.
Genome position (GRCh38, 1-based): chr1:186,165,144, C>A. VCF-style: chr1-186165144-C-A. GRCh37 (hg19) VCF-style: chr1-186134276-C-A.
Other names: c.15290C>A (NM_031935.2); short protein forms T5097N.
Identifiers: ClinVar variation 2121110 (VCV002121110.5), dbSNP rs1360770948, ClinGen allele CA343927632.

ClinVar aggregate classification (germline): Uncertain significance. Review status: criteria provided, multiple submitters, no conflicts (2 of 4 stars). 2 submissions from 2 submitters: Uncertain significance (2). Last evaluated 2025-06-07.

Allele frequency attached by ClinVar (database versions not stated): TOPMed 0.00001; gnomAD 0.00002.
gnomAD v4.1: 6 of 1,613,926 alleles (0.00037%); highest among the groups gnomAD compares: African/African-American, 0.0067%; no homozygotes.

Submissions (2):

Ambry Genetics
Classification: Uncertain significance. Last evaluated: 2025-06-07. Review status: criteria provided, single submitter. Criteria: Ambry Variant Classification Scheme 2023. Collection method: clinical testing. Allele origin: germline.

Labcorp Genetics (formerly Invitae), Labcorp
Classification: Uncertain significance. Last evaluated: 2022-04-03. Review status: criteria provided, single submitter. Criteria: Invitae Variant Classification Sherloc (09022015). Collection method: clinical testing. Allele origin: germline.
Comment: This sequence change replaces threonine, which is neutral and polar, with asparagine, which is neutral and polar, at codon 5097 of the HMCN1 protein (p.Thr5097Asn). This variant is present in population databases (no rsID available, gnomAD 0.01%). This variant has not been reported in the literature in individuals affected with HMCN1-related conditions. Algorithms developed to predict the effect of missense changes on protein structure and function (SIFT, PolyPhen-2, Align-GVGD) all suggest that this variant is likely to be tolerated. In summary, the available evidence is currently insufficient to determine the role of this variant in disease. Therefore, it has been classified as a Variant of Uncertain Significance.